The following is an entry in ClinVar:

ClinVar aggregate classification (germline): Uncertain significance. Review status: criteria provided, multiple submitters, no conflicts (2 of 4 stars). 3 submissions from 3 submitters: Uncertain significance (3). Last evaluated 2025-11-20.

Allele frequency attached by ClinVar (database versions not stated): gnomAD exomes below 0.00001.
gnomAD v4.1: 1 of 1,614,188 alleles (0.000062%); highest among the groups gnomAD compares: Admixed American, 0.0017%; no homozygotes.

Submissions (3):

Women's Health and Genetics/Laboratory Corporation of America, LabCorp
Classification: Uncertain significance. Last evaluated: 2025-11-20. Review status: criteria provided, single submitter. Criteria: LabCorp Variant Classification Summary - May 2015. Collection method: clinical testing. Allele origin: germline.
Comment: Variant summary: AUTS2 c.2087T>C (p.Phe696Ser) results in a non-conservative amino acid change in the encoded protein sequence. Algorithms developed to predict the effect of missense changes on protein structure and function are either unavailable or do not agree on the potential impact of this missense change. The variant allele was found at a frequency of 4e-06 in 251472 control chromosomes. The available data on variant occurrences in the general population are insufficient to allow any conclusion about variant significance. To our knowledge, no occurrence of c.2087T>C in individuals affected with AUTS2-related conditions and no experimental evidence demonstrating its impact on protein function have been reported. ClinVar contains an entry for this variant (Variation ID: 2720617). Based on the evidence outlined above, the variant was classified as uncertain significance.

GeneDx
Classification: Uncertain significance. Last evaluated: 2025-04-01. Review status: criteria provided, single submitter. Criteria: GeneDx Variant Classification Process June 2021. Collection method: clinical testing. Allele origin: germline. Affected: yes.
Comment: In silico analysis supports that this missense variant has a deleterious effect on protein structure/function; Missense variant in a gene in which most reported pathogenic variants are truncating/loss of function; Has not been previously published as pathogenic or benign to our knowledge

Labcorp Genetics (formerly Invitae), Labcorp
Classification: Uncertain significance. Last evaluated: 2024-01-03. Review status: criteria provided, single submitter. Criteria: Invitae Variant Classification Sherloc (09022015). Collection method: clinical testing. Allele origin: germline.
Comment: This sequence change replaces phenylalanine, which is neutral and non-polar, with serine, which is neutral and polar, at codon 696 of the AUTS2 protein (p.Phe696Ser). This variant is not present in population databases (gnomAD no frequency). This variant has not been reported in the literature in individuals affected with AUTS2-related conditions. Advanced modeling of protein sequence and biophysical properties (such as structural, functional, and spatial information, amino acid conservation, physicochemical variation, residue mobility, and thermodynamic stability) performed at Invitae indicates that this missense variant is not expected to disrupt AUTS2 protein function with a negative predictive value of 80%. In summary, the available evidence is currently insufficient to determine the role of this variant in disease. Therefore, it has been classified as a Variant of Uncertain Significance.

NM_015570.4(AUTS2):c.2087T>C (p.Phe696Ser)

Gene: AUTS2 (activator of transcription and developmental regulator AUTS2; plus strand). Cytogenetic location: 7q11.22.
Variant type: single nucleotide variant.
Coding change: c.2087T>C on transcript NM_015570.4 (MANE Select); coding-DNA position 2087, T replaced by C.
Protein change: p.Phe696Ser; replaces phenylalanine 696 with serine.
Molecular consequence: missense variant.
Genome position (GRCh38, 1-based): chr7:70,781,697, T>C. VCF-style: chr7-70781697-T-C. GRCh37 (hg19) VCF-style: chr7-70246683-T-C.
Other names: c.2015T>C, p.Phe672Ser (NM_001127231.3); c.2087T>C (NM_015570.2); short protein forms F672S, F696S.
Identifiers: ClinVar variation 2720617 (VCV002720617.5), dbSNP rs1563195513, ClinGen allele CA367663173.